The following is an entry in ClinVar:

ClinVar aggregate classification (germline): Uncertain significance (1 of 4 stars; one submission).

Submission:

Labcorp Genetics (formerly Invitae), Labcorp
Classification: Uncertain significance. Last evaluated: 2022-10-13. Review status: criteria provided, single submitter. Criteria: Invitae Variant Classification Sherloc (09022015). Collection method: clinical testing. Allele origin: germline.
Comment: This sequence change replaces aspartic acid, which is acidic and polar, with glycine, which is neutral and non-polar, at codon 476 of the REPS1 protein (p.Asp476Gly). This variant is not present in population databases (gnomAD no frequency). In summary, the available evidence is currently insufficient to determine the role of this variant in disease. Therefore, it has been classified as a Variant of Uncertain Significance. Algorithms developed to predict the effect of missense changes on protein structure and function are either unavailable or do not agree on the potential impact of this missense change (SIFT: "Tolerated"; PolyPhen-2: "Possibly Damaging"; Align-GVGD: "Class C35"). ClinVar contains an entry for this variant (Variation ID: 1375081). This variant has not been reported in the literature in individuals affected with REPS1-related conditions.

NM_001286611.2(REPS1):c.1427A>G (p.Asp476Gly)

Gene: REPS1 (RALBP1 associated Eps domain containing 1; minus strand). Cytogenetic location: 6q24.1.
Variant type: single nucleotide variant.
Coding change: c.1427A>G on transcript NM_001286611.2 (MANE Select); coding-DNA position 1427, A replaced by G.
Protein change: p.Asp476Gly; replaces aspartic acid 476 with glycine.
Molecular consequence: missense variant.
Genome position (GRCh38, 1-based): chr6:138,920,316, T>C on the plus strand (A>G on the coding strand, the complement: REPS1 is on the minus strand). VCF-style: chr6-138920316-T-C. GRCh37 (hg19) VCF-style: chr6-139241453-T-C.
Other names: c.1346A>G, p.Asp449Gly (NM_001128617.3, NM_001286612.2); c.1427A>G, p.Asp476Gly (NM_031922.5); short protein forms D449G, D476G.
Identifiers: ClinVar variation 1375081 (VCV001375081.6), dbSNP rs2128443633, ClinGen allele CA365809781.